The following is an entry in ClinVar:

NM_002662.5(PLD1):c.920T>C (p.Ile307Thr)

Gene: PLD1 (phospholipase D1; minus strand). Cytogenetic location: 3q26.31.
Variant type: single nucleotide variant.
Coding change: c.920T>C on transcript NM_002662.5 (MANE Select); coding-DNA position 920, T replaced by C.
Protein change: p.Ile307Thr; replaces isoleucine 307 with threonine.
Molecular consequence: missense variant.
Genome position (GRCh38, 1-based): chr3:171,709,701, A>G on the plus strand (T>C on the coding strand, the complement: PLD1 is on the minus strand). VCF-style: chr3-171709701-A-G. GRCh37 (hg19) VCF-style: chr3-171427491-A-G.
Other names: c.920T>C, p.Ile307Thr (NM_001130081.3); short protein forms I307T.
Identifiers: ClinVar variation 1934647 (VCV001934647.5), dbSNP rs1373033088, ClinGen allele CA355504255.
Genomic context (GRCh38, chr3:171,709,701, plus strand): 5'-ATGAATTCTTCTATAGCCCCTCCCCACCACCGAGCATGTCTATAGCTGTTGCATTTTAAA[A>G]TAAGTGTCCTTTAAAGAAAAAGCCAAATATTGAAAAGACTGGTCACTCTGTTCTATCTCA-3'
Protein context (NP_002653.1, residues 297-317): IRIDNLSRTL[Ile307Thr]LKCNSYRHAR

ClinVar aggregate classification (germline): Uncertain significance (1 of 4 stars; one submission).

Allele frequency attached by ClinVar (database versions not stated): TOPMed below 0.00001; gnomAD 0.00001; gnomAD exomes 0.00001.
gnomAD v4.1: 8 of 1,611,568 alleles (0.0005%); highest among the groups gnomAD compares: Non-Finnish European, 0.00068%; no homozygotes.

Submission:

Labcorp Genetics (formerly Invitae), Labcorp
Classification: Uncertain significance. Last evaluated: 2024-10-07. Review status: criteria provided, single submitter. Criteria: Invitae Variant Classification Sherloc (09022015). Collection method: clinical testing. Allele origin: germline.
Comment: This sequence change replaces isoleucine, which is neutral and non-polar, with threonine, which is neutral and polar, at codon 307 of the PLD1 protein (p.Ile307Thr). This variant is present in population databases (no rsID available, gnomAD 0.007%). This variant has not been reported in the literature in individuals affected with PLD1-related conditions. ClinVar contains an entry for this variant (Variation ID: 1934647). Invitae Evidence Modeling of protein sequence and biophysical properties (such as structural, functional, and spatial information, amino acid conservation, physicochemical variation, residue mobility, and thermodynamic stability) indicates that this missense variant is not expected to disrupt PLD1 protein function with a negative predictive value of 80%. In summary, the available evidence is currently insufficient to determine the role of this variant in disease. Therefore, it has been classified as a Variant of Uncertain Significance.